The following is an entry in ClinVar:

ClinVar aggregate classification (germline): Uncertain significance (1 of 4 stars; one submission).

Conditions:
Atypical hemolytic-uremic syndrome. Identifiers: Orphanet 2134, MedGen C2931788, MONDO:0016244.
Basal laminar drusen. Also called: DRUSEN OF BRUCH MEMBRANE; DRUSEN, CUTICULAR; DRUSEN, EARLY ADULT-ONSET, GROUPED. Identifiers: Orphanet 75376, MedGen C0730295, MONDO:0007472, OMIM 126700.
Factor H deficiency (CFHD). Also called: COMPLEMENT FACTOR H DEFICIENCY; CFH DEFICIENCY. Identifiers: Orphanet 200421, MedGen C0398777, MONDO:0012350, OMIM 609814.
Age related macular degeneration 4. Identifiers: MedGen C1853147, MONDO:0012540, OMIM 610698.

gnomAD v4.1: 2 of 1,613,064 alleles (0.00012%); highest among the groups gnomAD compares: Non-Finnish European, 0.00017%; no homozygotes.

Submission:

Genomenon, Inc
Classification: Uncertain significance for Basal laminar drusen; Age related macular degeneration 4; Atypical hemolytic-uremic syndrome; Factor H deficiency. Last evaluated: 2025-10-02. Review status: criteria provided, single submitter. Criteria: Genomenon Sequence Variant Interpretation Standards - Updated. Collection method: curation. Allele origin: germline. Affected: no.
Comment: CFH p.His332Tyr (c.994C>T) is a missense variant that changes the amino acid at residue 332 from Histidine to Tyrosine. This variant has been reported in the published literature (PMID:15761120;17089378;25188723). It is absent or not present at a significant frequency in gnomAD. In silico models agree that this variant is not damaging. In conclusion, we classify CFH p.His332Tyr (c.994C>T) as a variant of uncertain significance.

Literature cited by the submitters: PubMed 15761120; PubMed 17089378; PubMed 25188723.

NM_000186.4(CFH):c.994C>T (p.His332Tyr)

Gene: CFH (complement factor H; plus strand). Cytogenetic location: 1q31.3.
Variant type: single nucleotide variant.
Coding change: c.994C>T on transcript NM_000186.4 (MANE Select); coding-DNA position 994, C replaced by T.
Protein change: p.His332Tyr; replaces histidine 332 with tyrosine.
Molecular consequence: missense variant.
Genome position (GRCh38, 1-based): chr1:196,689,449, C>T. VCF-style: chr1-196689449-C-T. GRCh37 (hg19) VCF-style: chr1-196658579-C-T.
Other names: c.994C>T, p.His332Tyr (NM_001014975.3); short protein forms H332Y.
Identifiers: ClinVar variation 4291342 (VCV004291342.1).
Genomic context (GRCh38, chr1:196,689,449, plus strand): 5'-TTTATACTTTTTTTAAAATTTTTATTGCAAGTGAAACCTTGTGATTATCCAGACATTAAA[C>T]ATGGAGGTCTATATCATGAGAATATGCGTAGACCATACTTTCCAGTAGCTGTAGGAAAAT-3'
Protein context (NP_000177.2, residues 322-342): LKPCDYPDIK[His332Tyr]GGLYHENMRR